The following is an entry in ClinVar:

ClinVar aggregate classification (germline): Uncertain significance (1 of 4 stars; one submission).

Submission:

Labcorp Genetics (formerly Invitae), Labcorp
Classification: Uncertain significance. Last evaluated: 2022-12-24. Review status: criteria provided, single submitter. Criteria: Invitae Variant Classification Sherloc (09022015). Collection method: clinical testing. Allele origin: germline.
Comment: In summary, the available evidence is currently insufficient to determine the role of this variant in disease. Therefore, it has been classified as a Variant of Uncertain Significance. Algorithms developed to predict the effect of missense changes on protein structure and function are either unavailable or do not agree on the potential impact of this missense change (SIFT: "Deleterious"; PolyPhen-2: "Possibly Damaging"; Align-GVGD: "Class C0"). This variant has not been reported in the literature in individuals affected with IRF2BP2-related conditions. This variant is not present in population databases (gnomAD no frequency). This sequence change replaces leucine, which is neutral and non-polar, with proline, which is neutral and non-polar, at codon 129 of the IRF2BP2 protein (p.Leu129Pro).

NM_182972.3(IRF2BP2):c.386T>C (p.Leu129Pro)

Genes: IRF2BP2 (interferon regulatory factor 2 binding protein 2; minus strand), LOC129932812 (ATAC-STARR-seq lymphoblastoid silent region 1977; plus strand). Cytogenetic location: 1q42.3.
Variant type: single nucleotide variant.
Coding change: c.386T>C on transcript NM_182972.3 (MANE Select); coding-DNA position 386, T replaced by C.
Protein change: p.Leu129Pro; replaces leucine 129 with proline.
Molecular consequence: missense variant.
Genome position (GRCh38, 1-based): chr1:234,609,109, A>G on the plus strand (T>C on the coding strand, the complement: IRF2BP2 is on the minus strand). VCF-style: chr1-234609109-A-G. GRCh37 (hg19) VCF-style: chr1-234744855-A-G.
Other names: c.386T>C, p.Leu129Pro (NM_001077397.1); short protein forms L129P.
Identifiers: ClinVar variation 2823891 (VCV002823891.3), dbSNP rs2528522199, ClinGen allele CA345310749.
Genomic context (GRCh38, chr1:234,609,109, plus strand): 5'-TGCGGCGTCGGCGGCTGGGCCAGGCTCGCTGCCGGGCGGCTGCTGCCGAAGTCAGAGCCG[A>G]GGCGCGGGGGCCTCTCGGCCGCGGCCGCCAACGGGTAGCGCTCCAAGGCCTGCGGCGCGC-3'
Protein context (NP_892017.2, residues 119-139): LAAAAERPPR[Leu129Pro]GSDFGSSRPA